The following is an entry in ClinVar:

ClinVar aggregate classification (germline): Uncertain significance (1 of 4 stars; one submission).

Conditions:
Cardiac arrhythmia. Also called: Arrhythmia; Cardiac rhythm disease. Identifiers: MedGen C0003811, MONDO:0007263, HP:0011675.

Submission:

Color Diagnostics, LLC DBA Color Health
Classification: Uncertain significance for Cardiac arrhythmia. Last evaluated: 2024-03-06. Review status: criteria provided, single submitter. Criteria: ACMG Guidelines, 2015. Collection method: clinical testing. Allele origin: germline.
Comment: This missense variant replaces leucine with proline at codon 1022 of the KCNH2 protein. Computational prediction is inconclusive regarding the impact of this variant on protein structure and function (internally defined REVEL score threshold 0.5 < inconclusive < 0.7, PMID: 27666373). To our knowledge, functional studies have not been reported for this variant. This variant has not been reported in individuals affected with cardiovascular disorders in the literature. This variant has not been identified in the general population by the Genome Aggregation Database (gnomAD). The available evidence is insufficient to determine the role of this variant in disease conclusively. Therefore, this variant is classified as a Variant of Uncertain Significance.

NM_000238.4(KCNH2):c.3065T>C (p.Leu1022Pro)

Gene: KCNH2 (potassium voltage-gated channel subfamily H member 2; minus strand). Cytogenetic location: 7q36.1.
Variant type: single nucleotide variant.
Coding change: c.3065T>C on transcript NM_000238.4 (MANE Select); coding-DNA position 3065, T replaced by C.
Protein change: p.Leu1022Pro; replaces leucine 1022 with proline.
Molecular consequence: missense variant.
Genome position (GRCh38, 1-based): chr7:150,947,415, A>G on the plus strand (T>C on the coding strand, the complement: KCNH2 is on the minus strand). VCF-style: chr7-150947415-A-G. GRCh37 (hg19) VCF-style: chr7-150644503-A-G.
Other names: c.2045T>C, p.Leu682Pro (NM_172057.3); short protein forms L1022P, L682P.
Identifiers: ClinVar variation 1332320 (VCV001332320.5), dbSNP rs1800942388, ClinGen allele CA369852761.
Genomic context (GRCh38, chr7:150,947,415, plus strand): 5'-AGCCTGCTCTCCACGTCGCCCCGGGGCCGCCGACCCGGGCTGGAGAGGGGGATGTTGAGG[A>G]GGCTGGGGGTGGGGGCGGGGCATCGAGGGAGCTCCTGGTACTGGCGGCCCCGACTGTCCC-3'
Protein context (NP_000229.1, residues 1012-1032): LPRCPAPTPS[Leu1022Pro]LNIPLSSPGR